The following is an entry in ClinVar:

ClinVar aggregate classification (germline): Uncertain significance (0 of 4 stars; one submission).

Conditions:
TCF3-related disorder. Also called: TCF3-related condition.

Submission:

PreventionGenetics, part of Exact Sciences
Classification: Uncertain significance for TCF3-related condition. Last evaluated: 2024-07-10. Review status: no assertion criteria provided. Collection method: clinical testing. Allele origin: germline.
Comment: The TCF3 c.1653T>A variant is predicted to result in the amino acid substitution p.Asn551Lys. Of note, this variant can also be referred to as c.1823-518T>A with NM_003200 and is not predicted to impact splicing. To our knowledge, this variant has not been reported in the literature or in a large population database, indicating this variant is rare. Other nearby missense variants in this exon (p.Glu555Lys, p.Arg554Trp, p.Leu535Pro) have been reported in individuals with immunodeficiency phenotypes (Sogkas et al. 2021. PubMed ID: 34619682; Boisson et al. 2013. PubMed ID: 24216514). At this time, the clinical significance of this variant is uncertain due to the absence of conclusive functional and genetic evidence.

NM_001136139.4(TCF3):c.1653T>A (p.Asn551Lys)

Gene: TCF3 (transcription factor 3; minus strand). Cytogenetic location: 19p13.3.
Variant type: single nucleotide variant.
Coding change: c.1653T>A on transcript NM_001136139.4 (MANE Plus Clinical); coding-DNA position 1653, T replaced by A.
Protein change: p.Asn551Lys; replaces asparagine 551 with lysine.
Molecular consequence: missense variant. On other transcripts: intron variant (2).
Genome position (GRCh38, 1-based): chr19:1,612,367, A>T on the plus strand (T>A on the coding strand, the complement: TCF3 is on the minus strand). VCF-style: chr19-1612367-A-T. GRCh37 (hg19) VCF-style: chr19-1612366-A-T.
Other names: c.1653T>A, p.Asn551Lys (NM_001351779.2); c.1820-518T>A (NM_001351778.2); c.1823-518T>A (NM_003200.5); short protein forms N551K.
Identifiers: ClinVar variation 3345475 (VCV003345475.1).